The following is an entry in ClinVar:

ClinVar aggregate classification (germline): Uncertain significance (1 of 4 stars; one submission).

Conditions:
Parathyroid carcinoma (PRTC). Also called: Parathyroid gland carcinoma; CDC73-Related Parathyroid Carcinoma. Identifiers: Orphanet 143, MedGen C0687150, MONDO:0012004, OMIM 608266, HP:0006780.

Submission:

Labcorp Genetics (formerly Invitae), Labcorp
Classification: Uncertain significance for Parathyroid carcinoma. Last evaluated: 2022-01-27. Review status: criteria provided, single submitter. Criteria: Invitae Variant Classification Sherloc (09022015). Collection method: clinical testing. Allele origin: germline.
Comment: In summary, the available evidence is currently insufficient to determine the role of this variant in disease. Therefore, it has been classified as a Variant of Uncertain Significance. This sequence change replaces lysine, which is basic and polar, with glutamine, which is neutral and polar, at codon 34 of the CDC73 protein (p.Lys34Gln). This variant is not present in population databases (gnomAD no frequency). This variant has not been reported in the literature in individuals affected with CDC73-related conditions. Algorithms developed to predict the effect of missense changes on protein structure and function are either unavailable or do not agree on the potential impact of this missense change (SIFT: "Tolerated"; PolyPhen-2: "Possibly Damaging"; Align-GVGD: "Class C0"). Experimental studies have shown that this missense change affects CDC73 function (PMID: 25388829, 29142233).

Literature cited by the submitters: PubMed 25388829; PubMed 29142233.

NM_024529.5(CDC73):c.100A>C (p.Lys34Gln)

Gene: CDC73 (cell division cycle 73; plus strand). Cytogenetic location: 1q31.2.
Variant type: single nucleotide variant.
Coding change: c.100A>C on transcript NM_024529.5 (MANE Select); coding-DNA position 100, A replaced by C.
Protein change: p.Lys34Gln; replaces lysine 34 with glutamine.
Molecular consequence: missense variant.
Genome position (GRCh38, 1-based): chr1:193,122,300, A>C. VCF-style: chr1-193122300-A-C. GRCh37 (hg19) VCF-style: chr1-193091430-A-C.
Other names: short protein forms K34Q.
Identifiers: ClinVar variation 2090170 (VCV002090170.4), dbSNP rs2527281430, ClinGen allele CA343972947.
Genomic context (GRCh38, chr1:193,122,300, plus strand): 5'-CAGAAGAAGGAGATTGTGGTGAAGGGAGACGAAGTGATCTTCGGGGAGTTCTCCTGGCCC[A>C]AGAATGTGAAGACCAACTATGTTGTTTGGGGGTAAGTCCGGCATGGCTGTGGCCCAGGGG-3'
Protein context (NP_078805.3, residues 24-44): EVIFGEFSWP[Lys34Gln]NVKTNYVVWG